The following is an entry in ClinVar:

ClinVar aggregate classification (germline): Likely pathogenic (1 of 4 stars; one submission).

Conditions:
Joubert syndrome 21 (JBTS21). Identifiers: MedGen C3810212, MONDO:0014288, OMIM 615636.

Allele frequency attached by ClinVar (database versions not stated): gnomAD exomes below 0.00001.
gnomAD v4.1: 4 of 1,528,676 alleles (0.00026%); highest among the groups gnomAD compares: South Asian, 0.0024%; no homozygotes.

Submission:

Labcorp Genetics (formerly Invitae), Labcorp
Classification: Likely pathogenic for Joubert syndrome 21. Last evaluated: 2022-09-07. Review status: criteria provided, single submitter. Criteria: Invitae Variant Classification Sherloc (09022015). Collection method: clinical testing. Allele origin: germline.
Comment: In summary, the currently available evidence indicates that the variant is pathogenic, but additional data are needed to prove that conclusively. Therefore, this variant has been classified as Likely Pathogenic. Algorithms developed to predict the effect of sequence changes on RNA splicing suggest that this variant may disrupt the consensus splice site. This sequence change affects an acceptor splice site in intron 9 of the CSPP1 gene. It is expected to disrupt RNA splicing. Variants that disrupt the donor or acceptor splice site typically lead to a loss of protein function (PMID: 16199547), and loss-of-function variants in CSPP1 are known to be pathogenic (PMID: 24360807, 24360808). This variant is not present in population databases (gnomAD no frequency). This variant has not been reported in the literature in individuals affected with CSPP1-related conditions.

Literature cited by the submitters: PubMed 16199547; PubMed 24360807; PubMed 24360808.

NM_001382391.1(CSPP1):c.1188-2A>G

Gene: CSPP1 (centrosome and spindle pole associated protein 1; plus strand). Cytogenetic location: 8q13.2.
Variant type: single nucleotide variant.
Coding change: c.1188-2A>G on transcript NM_001382391.1 (MANE Select); the canonical splice acceptor site of the intron before coding-DNA position 1188, A replaced by G.
Molecular consequence: splice acceptor variant. On other transcripts: intron variant (1).
Genome position (GRCh38, 1-based): chr8:67,113,803, A>G. VCF-style: chr8-67113803-A-G. GRCh37 (hg19) VCF-style: chr8-68026038-A-G.
Other names: c.1188-2A>G (NM_001363132.2); c.1107-2A>G (NM_001363131.2, NM_001363133.2); c.1296-2A>G (NM_001364869.1); c.1215-2A>G (NM_024790.7, NM_001438331.1, NM_001438330.1); c.1116-2A>G (NM_001364870.1); c.951-4445A>G (NM_001438332.1); c.333-2A>G (NM_001291339.2).
Identifiers: ClinVar variation 2029514 (VCV002029514.4), dbSNP rs1162635365, ClinGen allele CA371197518.